The following is an entry in ClinVar:

NM_006180.6(NTRK2):c.1529C>T (p.Ser510Leu)

Gene: NTRK2 (neurotrophic receptor tyrosine kinase 2; plus strand). Cytogenetic location: 9q21.33.
Variant type: single nucleotide variant.
Coding change: c.1529C>T on transcript NM_006180.6 (MANE Select); coding-DNA position 1529, C replaced by T.
Protein change: p.Ser510Leu; replaces serine 510 with leucine.
Molecular consequence: missense variant.
Genome position (GRCh38, 1-based): chr9:84,867,327, C>T. VCF-style: chr9-84867327-C-T. GRCh37 (hg19) VCF-style: chr9-87482242-C-T.
Other names: c.1481C>T, p.Ser494Leu (NM_001018064.3, NM_001018066.3, NM_001369532.1 and 2 more transcripts); c.1529C>T, p.Ser510Leu (NM_001018065.2, NM_001369537.1, NM_001381928.1); c.1445C>T, p.Ser482Leu (NM_001369534.1); c.1013C>T, p.Ser338Leu (NM_001369535.1); c.1061C>T, p.Ser354Leu (NM_001369536.1); short protein forms S338L, S354L, S494L, S510L, S482L.
Identifiers: ClinVar variation 2869575 (VCV002869575.3), dbSNP rs1587743298, ClinGen allele CA374005876.

ClinVar aggregate classification (germline): Uncertain significance (1 of 4 stars; one submission).

Allele frequency attached by ClinVar (database versions not stated): gnomAD exomes below 0.00001; TOPMed below 0.00001.
gnomAD v4.1: 6 of 1,613,836 alleles (0.00037%); highest among the groups gnomAD compares: Non-Finnish European, 0.00051%; no homozygotes.

Submission:

Labcorp Genetics (formerly Invitae), Labcorp
Classification: Uncertain significance. Last evaluated: 2022-11-14. Review status: criteria provided, single submitter. Criteria: Invitae Variant Classification Sherloc (09022015). Collection method: clinical testing. Allele origin: germline.
Comment: In summary, the available evidence is currently insufficient to determine the role of this variant in disease. Therefore, it has been classified as a Variant of Uncertain Significance. Algorithms developed to predict the effect of sequence changes on RNA splicing suggest that this variant may create or strengthen a splice site. Advanced modeling of protein sequence and biophysical properties (such as structural, functional, and spatial information, amino acid conservation, physicochemical variation, residue mobility, and thermodynamic stability) performed at Invitae indicates that this missense variant is not expected to disrupt NTRK2 protein function. This variant has not been reported in the literature in individuals affected with NTRK2-related conditions. This variant is not present in population databases (gnomAD no frequency). This sequence change replaces serine, which is neutral and polar, with leucine, which is neutral and non-polar, at codon 510 of the NTRK2 protein (p.Ser510Leu).